The following is an entry in ClinVar:

NM_013275.6(ANKRD11):c.2092G>A (p.Glu698Lys)

Gene: ANKRD11 (ankyrin repeat domain 11; minus strand). Cytogenetic location: 16q24.3.
Variant type: single nucleotide variant.
Coding change: c.2092G>A on transcript NM_013275.6 (MANE Select); coding-DNA position 2092, G replaced by A.
Protein change: p.Glu698Lys; replaces glutamic acid 698 with lysine.
Molecular consequence: missense variant.
Genome position (GRCh38, 1-based): chr16:89,284,450, C>T on the plus strand (G>A on the coding strand, the complement: ANKRD11 is on the minus strand). VCF-style: chr16-89284450-C-T. GRCh37 (hg19) VCF-style: chr16-89350858-C-T.
Other names: c.2092G>A, p.Glu698Lys (NM_001256182.2, NM_001256183.2); short protein forms E698K.
Identifiers: ClinVar variation 2015431 (VCV002015431.4), dbSNP rs1422731618, ClinGen allele CA397163218.

ClinVar aggregate classification (germline): Uncertain significance (1 of 4 stars; one submission).

Conditions:
KBG syndrome (KBGS). Also called: ANKRD11-Related KBG Syndrome. Identifiers: Orphanet 2332, MedGen C0220687, MONDO:0007846, OMIM 148050.

Allele frequency attached by ClinVar (database versions not stated): gnomAD 0.00001.
gnomAD v4.1: 1 of 1,613,524 alleles (0.000062%); highest among the groups gnomAD compares: Non-Finnish European, 0.000085%; no homozygotes.

Submission:

Labcorp Genetics (formerly Invitae), Labcorp
Classification: Uncertain significance for KBG syndrome. Last evaluated: 2022-09-13. Review status: criteria provided, single submitter. Criteria: Invitae Variant Classification Sherloc (09022015). Collection method: clinical testing. Allele origin: germline.
Comment: In summary, the available evidence is currently insufficient to determine the role of this variant in disease. Therefore, it has been classified as a Variant of Uncertain Significance. This sequence change replaces glutamic acid, which is acidic and polar, with lysine, which is basic and polar, at codon 698 of the ANKRD11 protein (p.Glu698Lys). This variant is present in population databases (no rsID available, gnomAD 0.002%). This variant has not been reported in the literature in individuals affected with ANKRD11-related conditions. Advanced modeling of protein sequence and biophysical properties (such as structural, functional, and spatial information, amino acid conservation, physicochemical variation, residue mobility, and thermodynamic stability) performed at Invitae indicates that this missense variant is not expected to disrupt ANKRD11 protein function.